The following is an entry in ClinVar:

NM_015178.3(RHOBTB2):c.738C>T (p.Pro246=)

Gene: RHOBTB2 (Rho related BTB domain containing 2; plus strand). Cytogenetic location: 8p21.3.
Variant type: single nucleotide variant.
Coding change: c.738C>T on transcript NM_015178.3 (MANE Select); coding-DNA position 738, C replaced by T.
Protein change: p.Pro246=; no amino-acid change (proline 246 retained).
Molecular consequence: synonymous variant.
Genome position (GRCh38, 1-based): chr8:23,006,983, C>T. VCF-style: chr8-23006983-C-T. GRCh37 (hg19) VCF-style: chr8-22864496-C-T.
Other names: c.804C>T (NM_001160036.1); c.804C>T, p.Pro268= (NM_001160036.2); c.759C>T, p.Pro253= (NM_001160037.2); c.738C>T, p.Pro246= (NM_001374791.1).
Identifiers: ClinVar variation 1530749 (VCV001530749.10), dbSNP rs139893760, ClinGen allele CA4672527.

ClinVar aggregate classification (germline): Likely benign. Review status: criteria provided, multiple submitters, no conflicts (2 of 4 stars). 3 submissions from 3 submitters: Likely benign (3). Last evaluated 2025-12-27.

Conditions:
RHOBTB2-related disorder. Also called: RHOBTB2-related condition.

Allele frequency attached by ClinVar (database versions not stated): gnomAD 0.00019; gnomAD exomes 0.00020; ExAC 0.00024; TOPMed 0.00024; ESP Exome Variant Server 0.00038.
gnomAD v4.1: 704 of 1,610,540 alleles (0.044%); highest among the groups gnomAD compares: Non-Finnish European, 0.057%; no homozygotes.

Submissions (3):

Labcorp Genetics (formerly Invitae), Labcorp
Classification: Likely benign. Last evaluated: 2025-12-27. Review status: criteria provided, single submitter. Criteria: Invitae Variant Classification Sherloc (09022015). Collection method: clinical testing. Allele origin: germline.

PreventionGenetics, part of Exact Sciences
Classification: Likely benign for RHOBTB2-related condition. Last evaluated: 2024-11-13. Review status: criteria provided, single submitter. Criteria: ACMG Guidelines, 2015. Collection method: clinical testing. Allele origin: germline.
Comment: This variant is classified as likely benign based on ACMG/AMP sequence variant interpretation guidelines (Richards et al. 2015 PMID: 25741868, with internal and published modifications).

Blueprint Genetics
Classification: Likely benign. Last evaluated: 2024-09-06. Review status: criteria provided, single submitter. Criteria: ACMG Guidelines, 2015. Collection method: clinical testing. Allele origin: germline.